The following is an entry in ClinVar:

ClinVar aggregate classification (germline): Uncertain significance (1 of 4 stars; one submission).

Conditions:
Multiple mitochondrial dysfunctions syndrome 3 (MMDS3). Identifiers: Orphanet 363424, MedGen C3809165, MONDO:0014132, OMIM 615330.
Hereditary spastic paraplegia 74. Also called: Spastic paraplegia 74, autosomal recessive. Identifiers: Orphanet 468661, MedGen C5568837, MONDO:0014644, OMIM 616451.

Allele frequency attached by ClinVar (database versions not stated): gnomAD 0.00001; gnomAD exomes 0.00002; TOPMed 0.00002.

Submission:

Labcorp Genetics (formerly Invitae), Labcorp
Classification: Uncertain significance for Multiple mitochondrial dysfunctions syndrome 3; Hereditary spastic paraplegia 74. Last evaluated: 2018-10-10. Review status: criteria provided, single submitter. Criteria: Invitae Variant Classification Sherloc (09022015). Collection method: clinical testing. Allele origin: germline.
Comment: This sequence change replaces cysteine with glycine at codon 29 of the IBA57 protein (p.Cys29Gly). The cysteine residue is weakly conserved and there is a large physicochemical difference between cysteine and glycine. The frequency data for this variant in the population databases is considered unreliable, as metrics indicate insufficient coverage at this position in the ExAC database. This variant has not been reported in the literature in individuals with IBA57-related disease. Algorithms developed to predict the effect of missense changes on protein structure and function are either unavailable or do not agree on the potential impact of this missense change (SIFT: "Deleterious"; PolyPhen-2: "Benign"; Align-GVGD: "Class C0"). In summary, the available evidence is currently insufficient to determine the role of this variant in disease. Therefore, it has been classified as a Variant of Uncertain Significance.

NM_001010867.4(IBA57):c.85T>G (p.Cys29Gly)

Gene: IBA57 (iron-sulfur cluster assembly factor IBA57; plus strand). Cytogenetic location: 1q42.13.
Variant type: single nucleotide variant.
Coding change: c.85T>G on transcript NM_001010867.4 (MANE Select); coding-DNA position 85, T replaced by G.
Protein change: p.Cys29Gly; replaces cysteine 29 with glycine.
Molecular consequence: missense variant.
Genome position (GRCh38, 1-based): chr1:228,165,901, T>G. VCF-style: chr1-228165901-T-G. GRCh37 (hg19) VCF-style: chr1-228353602-T-G.
Other names: short protein forms C29G.
Identifiers: ClinVar variation 662694 (VCV000662694.8), dbSNP rs951070079, ClinGen allele CA38736484.
Genomic context (GRCh38, chr1:228,165,901, plus strand): 5'-GGCGCCACTCCGGGGCGCGGCGGCCCGGTCTGGCGCTGGCGGCTGCGCGCGGCCCCAAGG[T>G]GCCGCCTGGCCCACAGCTCCTGCAGTCCTGGTGGCGACCCAACGGCCGGAGCGGCCTGGG-3'
Protein context (NP_001010867.1, residues 19-39): WRWRLRAAPR[Cys29Gly]RLAHSSCSPG